The following is an entry in ClinVar:

ClinVar aggregate classification (germline): Benign/Likely benign. Review status: criteria provided, multiple submitters, no conflicts (2 of 4 stars). 2 submissions from 2 submitters: Benign (1); Likely benign (1). Last evaluated 2026-07-01.

Allele frequency attached by ClinVar (database versions not stated): gnomAD 0.00005 and 0.00006; gnomAD exomes 0.00005 and 0.00025; TOPMed 0.00011; ExAC 0.00026.
gnomAD v4.1: 89 of 1,612,996 alleles (0.0055%); highest among the groups gnomAD compares: East Asian, 0.16%; no homozygotes.

Submissions (2):

CeGaT Center for Human Genetics Tuebingen
Classification: Likely benign. Last evaluated: 2026-07-01. Review status: criteria provided, single submitter. Criteria: CeGaT Center For Human Genetics Tuebingen Variant Classification Criteria Version 2. Collection method: clinical testing. Allele origin: germline. Affected: yes. Observed: 1 variant allele.
Comment: SEPTIN9: BP4, BP7, BS1

Labcorp Genetics (formerly Invitae), Labcorp
Classification: Benign. Last evaluated: 2023-02-22. Review status: criteria provided, single submitter. Criteria: Invitae Variant Classification Sherloc (09022015). Collection method: clinical testing. Allele origin: germline.

NM_001113491.2(SEPTIN9):c.828C>T (p.Phe276=)

Gene: SEPTIN9 (septin 9; plus strand). Cytogenetic location: 17q25.3.
Variant type: single nucleotide variant.
Coding change: c.828C>T on transcript NM_001113491.2 (MANE Select); coding-DNA position 828, C replaced by T.
Protein change: p.Phe276=; no amino-acid change (phenylalanine 276 retained).
Molecular consequence: synonymous variant.
Genome position (GRCh38, 1-based): chr17:77,482,250, C>T. VCF-style: chr17-77482250-C-T. GRCh37 (hg19) VCF-style: chr17-75478332-C-T.
Other names: c.336C>T, p.Phe112= (NM_001113492.2, NM_001113494.1); c.807C>T, p.Phe269= (NM_001113493.2); c.75C>T, p.Phe25= (NM_001113495.2, NM_001113496.2, NM_001293697.2 and 1 more transcripts); c.771C>T, p.Phe257= (NM_001293695.2); c.156C>T, p.Phe52= (NM_001293696.2); c.774C>T, p.Phe258= (NM_006640.5).
Identifiers: ClinVar variation 1682625 (VCV001682625.8), dbSNP rs759752033, ClinGen allele CA8793534.